The following is an entry in ClinVar:

ClinVar aggregate classification (germline): Uncertain significance (1 of 4 stars; one submission).

Conditions:
Hereditary cancer-predisposing syndrome. Also called: Neoplastic Syndromes, Hereditary; Tumor predisposition; Hereditary neoplastic syndrome; Hereditary Cancer Syndrome. Identifiers: Orphanet 140162, MedGen C0027672, MeSH D009386, MONDO:0015356.

Submission:

Ambry Genetics
Classification: Uncertain significance for Hereditary cancer-predisposing syndrome. Last evaluated: 2023-10-10. Review status: criteria provided, single submitter. Criteria: Ambry Variant Classification Scheme 2023. Collection method: clinical testing. Allele origin: germline.
Comment: The p.C210Y variant (also known as c.629G>A), located in coding exon 5 of the STK11 gene, results from a G to A substitution at nucleotide position 629. The cysteine at codon 210 is replaced by tyrosine, an amino acid with highly dissimilar properties. This amino acid position is conserved. In addition, this alteration is predicted to be deleterious by in silico analysis. Since supporting evidence is limited at this time, the clinical significance of this alteration remains unclear.

NM_000455.5(STK11):c.629G>A (p.Cys210Tyr)

Gene: STK11 (serine/threonine kinase 11; plus strand). Cytogenetic location: 19p13.3.
Variant type: single nucleotide variant.
Coding change: c.629G>A on transcript NM_000455.5 (MANE Select); coding-DNA position 629, G replaced by A.
Protein change: p.Cys210Tyr; replaces cysteine 210 with tyrosine.
Molecular consequence: missense variant. On other transcripts: non-coding transcript variant (1).
Genome position (GRCh38, 1-based): chr19:1,220,612, G>A. VCF-style: chr19-1220612-G-A. GRCh37 (hg19) VCF-style: chr19-1220611-G-A.
Other names: c.629G>A, p.Cys210Tyr (NM_001407255.1); short protein forms C210Y.
Identifiers: ClinVar variation 3231750 (VCV003231750.1), dbSNP rs1568708105, ClinGen allele CA402949519.
Genomic context (GRCh38, chr19:1,220,612, plus strand): 5'-TCCCTGAGGGCTGCACGGCACCGCCACAGGCACTGCACCCGTTCGCGGCGGACGACACCT[G>A]CCGGACCAGCCAGGGCTCCCCGGCTTTCCAGCCGCCCGAGATTGCCAACGGCCTGGACAC-3'
Protein context (NP_000446.1, residues 200-220): ALHPFAADDT[Cys210Tyr]RTSQGSPAFQ